The following is an entry in ClinVar:

ClinVar aggregate classification (germline): Conflicting classifications of pathogenicity. Review status: criteria provided, conflicting classifications (1 of 4 stars). 4 submissions from 4 submitters: Uncertain significance (2); Likely benign (2). Last evaluated 2026-02-24.

Conditions:
FRAS1-related disorder. Also called: FRAS1-related condition.
Fraser syndrome 1 (FRASRS1). Also called: CRYPTOPHTHALMOS WITH OTHER MALFORMATIONS. Identifiers: Orphanet 2052, MedGen C4551480, MONDO:0054737, OMIM 219000.

Allele frequency attached by ClinVar (database versions not stated): ExAC 0.00003; gnomAD 0.00003; gnomAD exomes 0.00003 and 0.00004; TOPMed 0.00003; ESP Exome Variant Server 0.00017; 1000 Genomes Project 0.00020; 1000 Genomes Project 30x 0.00031.
gnomAD v4.1: 45 of 1,611,444 alleles (0.0028%); highest among the groups gnomAD compares: Admixed American, 0.01%; 1 homozygote.

Submissions (4):

PreventionGenetics, part of Exact Sciences
Classification: Likely benign for FRAS1-related condition. Last evaluated: 2026-02-24. Review status: criteria provided, single submitter. Criteria: ACMG Guidelines, 2015. Collection method: clinical testing. Allele origin: germline.
Comment: This variant is classified as likely benign based on ACMG/AMP sequence variant interpretation guidelines (Richards et al. 2015 PMID: 25741868, with internal and published modifications).

Labcorp Genetics (formerly Invitae), Labcorp
Classification: Likely benign. Last evaluated: 2023-12-06. Review status: criteria provided, single submitter. Criteria: Invitae Variant Classification Sherloc (09022015). Collection method: clinical testing. Allele origin: germline.

Fulgent Genetics
Classification: Uncertain significance for Fraser syndrome 1. Last evaluated: 2021-09-22. Review status: criteria provided, single submitter. Criteria: ACMG Guidelines, 2015. Collection method: clinical testing. Allele origin: unknown.

Eurofins Ntd Llc (ga)
Classification: Uncertain significance. Last evaluated: 2016-12-09. Review status: criteria provided, single submitter. Criteria: EGL Classification Definitions 2015. Collection method: clinical testing. Allele origin: germline. Observed: 1 variant allele, 1 heterozygote.

NM_025074.7(FRAS1):c.8752+9T>C

Gene: FRAS1 (Fraser extracellular matrix complex subunit 1; plus strand). Cytogenetic location: 4q21.21.
Variant type: single nucleotide variant.
Coding change: c.8752+9T>C on transcript NM_025074.7 (MANE Select); 9 bases into the intron after coding-DNA position 8752, T replaced by C.
Molecular consequence: intron variant.
Genome position (GRCh38, 1-based): chr4:78,482,544, T>C. VCF-style: chr4-78482544-T-C. GRCh37 (hg19) VCF-style: chr4-79403698-T-C.
Other names: c.8752+9T>C (NM_025074.6).
Identifiers: ClinVar variation 498451 (VCV000498451.11), dbSNP rs191984935, ClinGen allele CA2978478.